The following is an entry in ClinVar:

NM_004423.4(DVL3):c.335C>T (p.Ser112Phe)

Gene: DVL3 (dishevelled segment polarity protein 3; plus strand). Cytogenetic location: 3q27.1.
Variant type: single nucleotide variant.
Coding change: c.335C>T on transcript NM_004423.4 (MANE Select); coding-DNA position 335, C replaced by T.
Protein change: p.Ser112Phe; replaces serine 112 with phenylalanine.
Molecular consequence: missense variant.
Genome position (GRCh38, 1-based): chr3:184,164,370, C>T. VCF-style: chr3-184164370-C-T. GRCh37 (hg19) VCF-style: chr3-183882158-C-T.
Other names: short protein forms S112F.
Identifiers: ClinVar variation 4704412 (VCV004704412.1).
Genomic context (GRCh38, chr3:184,164,370, plus strand): 5'-GTGCTGATAACCCATCGGAGCTGCCACCACCTATGGAGCGCACGGGAGGCATCGGGGACT[C>T]CCGACCCCCATCCTTCCAGTGAGTGTGACCTGAGGGTGGGGAGGGCCGCATCAGTTCAGC-3'
Protein context (NP_004414.3, residues 102-122): PMERTGGIGD[Ser112Phe]RPPSFHPHAG

ClinVar aggregate classification (germline): Uncertain significance (1 of 4 stars; one submission).

gnomAD v4.1: 1 of 1,613,892 alleles (0.000062%); highest among the groups gnomAD compares: African/African-American, 0.0013%; no homozygotes.

Submission:

Labcorp Genetics (formerly Invitae), Labcorp
Classification: Uncertain significance. Last evaluated: 2025-09-17. Review status: criteria provided, single submitter. Criteria: Invitae Variant Classification Sherloc (09022015). Collection method: clinical testing. Allele origin: germline.
Comment: This sequence change replaces serine, which is neutral and polar, with phenylalanine, which is neutral and non-polar, at codon 112 of the DVL3 protein (p.Ser112Phe). This variant is not present in population databases (gnomAD no frequency). This variant has not been reported in the literature in individuals affected with DVL3-related conditions. Invitae Evidence Modeling of protein sequence and biophysical properties (such as structural, functional, and spatial information, amino acid conservation, physicochemical variation, residue mobility, and thermodynamic stability) indicates that this missense variant is expected to disrupt DVL3 protein function with a positive predictive value of 80%. In summary, the available evidence is currently insufficient to determine the role of this variant in disease. Therefore, it has been classified as a Variant of Uncertain Significance.